The following is an entry in ClinVar:

NM_003400.4(XPO1):c.1343C>A (p.Thr448Lys)

Gene: XPO1 (exportin 1; minus strand). Cytogenetic location: 2p15.
Variant type: single nucleotide variant.
Coding change: c.1343C>A on transcript NM_003400.4 (MANE Select); coding-DNA position 1343, C replaced by A.
Protein change: p.Thr448Lys; replaces threonine 448 with lysine.
Molecular consequence: missense variant.
Genome position (GRCh38, 1-based): chr2:61,492,956, G>T on the plus strand (C>A on the coding strand, the complement: XPO1 is on the minus strand). VCF-style: chr2-61492956-G-T. GRCh37 (hg19) VCF-style: chr2-61720091-G-T.
Other names: c.1343C>A, p.Thr448Lys (NM_001410799.1); short protein forms T448K.
Identifiers: ClinVar variation 4073396 (VCV004073396.1).

ClinVar aggregate classification (germline): Pathogenic (1 of 4 stars; one submission).

Conditions:
XPO1-associated Neurodevelopmental Disorder.

Submission:

Genome Diagnostics Laboratory, University Medical Center Utrecht
Classification: Pathogenic for XPO1-associated Neurodevelopmental Disorder. Last evaluated: 2025-07-21. Review status: criteria provided, single submitter. Criteria: ACMG Guidelines, 2015. Collection method: research. Allele origin: germline. Affected: yes.
Comment: ACMG/AMP (Richards et al, 2015): PS2, PM2, PP2, PP3